The following is an entry in ClinVar:

NM_017780.4(CHD7):c.3707C>G (p.Ala1236Gly)

Gene: CHD7 (chromodomain helicase DNA binding protein 7; plus strand). Cytogenetic location: 8q12.2.
Variant type: single nucleotide variant.
Coding change: c.3707C>G on transcript NM_017780.4 (MANE Select); coding-DNA position 3707, C replaced by G.
Protein change: p.Ala1236Gly; replaces alanine 1236 with glycine.
Molecular consequence: missense variant. On other transcripts: intron variant (1).
Genome position (GRCh38, 1-based): chr8:60,830,506, C>G. VCF-style: chr8-60830506-C-G. GRCh37 (hg19) VCF-style: chr8-61743065-C-G.
Other names: c.1717-31723C>G (NM_001316690.1); short protein forms A1236G.
Identifiers: ClinVar variation 4854905 (VCV004854905.1).

ClinVar aggregate classification (germline): Uncertain significance (1 of 4 stars; one submission).

Conditions:
CHD7-related CHARGE syndrome. Identifiers: MedGen CN380413, MONDO:1010178, OMIM 214800.

Submission:

3billion
Classification: Uncertain significance for CHD7-related CHARGE syndrome. Last evaluated: 2025-12-18. Review status: criteria provided, single submitter. Criteria: ACMG Guidelines, 2015. Collection method: clinical testing. Allele origin: germline. Affected: yes.
Comment: The variant is not observed in the gnomAD v4.1.0 dataset. Predicted Consequence/Location: Missense variant In silico tools predict the variant to alter splicing and produce an abnormal transcript [SpliceAI: 0.91 (>=0.2, moderate evidence for spliceogenicity)]. Different missense changes at the same codon have been reported as of uncertain significance (ClinVar ID: VCV001492570). Therefore, this variant is classified as VUS according to the recommendation of ACMG/AMP guideline.